The following is an entry in ClinVar:

ClinVar aggregate classification (germline): Uncertain significance (1 of 4 stars; one submission).

Conditions:
Hereditary cancer-predisposing syndrome. Also called: Neoplastic Syndromes, Hereditary; Tumor predisposition; Hereditary Cancer Syndrome; Hereditary neoplastic syndrome. Identifiers: Orphanet 140162, MedGen C0027672, MeSH D009386, MONDO:0015356.

gnomAD v4.1: 1 of 1,614,168 alleles (0.000062%); highest among the groups gnomAD compares: Non-Finnish European, 0.000085%; no homozygotes.

Submission:

Ambry Genetics
Classification: Uncertain significance for Hereditary cancer-predisposing syndrome. Last evaluated: 2026-05-14. Review status: criteria provided, single submitter. Criteria: Ambry Variant Classification Scheme 2023. Collection method: clinical testing. Allele origin: germline.
Comment: The p.K531Q variant (also known as c.1591A>C), located in coding exon 15 of the NF2 gene, results from an A to C substitution at nucleotide position 1591. The lysine at codon 531 is replaced by glutamine, an amino acid with similar properties. This amino acid position is conserved. In addition, the in silico prediction for this alteration is inconclusive. Based on the available evidence, the clinical significance of this variant remains unclear.

NM_000268.4(NF2):c.1591A>C (p.Lys531Gln)

Gene: NF2 (NF2, moesin-ezrin-radixin like (MERLIN) tumor suppressor; plus strand). Cytogenetic location: 22q12.2.
Variant type: single nucleotide variant.
Coding change: c.1591A>C on transcript NM_000268.4 (MANE Select); coding-DNA position 1591, A replaced by C.
Protein change: p.Lys531Gln; replaces lysine 531 with glutamine.
Molecular consequence: missense variant. On other transcripts: intron variant (3).
Genome position (GRCh38, 1-based): chr22:29,681,455, A>C. VCF-style: chr22-29681455-A-C. GRCh37 (hg19) VCF-style: chr22-30077444-A-C.
Other names: c.1477A>C, p.Lys493Gln (NM_001407053.1, NM_001407056.1); c.1468A>C, p.Lys490Gln (NM_001407054.1, NM_001407058.1, NM_181829.3); c.1465A>C, p.Lys489Gln (NM_001407055.1, NM_181828.3); c.1456A>C, p.Lys486Gln (NM_001407057.1, NM_001407059.1); c.1333A>C, p.Lys445Gln (NM_001407062.1); c.1342A>C, p.Lys448Gln (NM_001407063.1, NM_181830.3, NM_181831.3); c.1057A>C, p.Lys353Gln (NM_001407065.1); c.1591A>C, p.Lys531Gln (NM_001407066.1, NM_016418.5, NM_181825.3 and 1 more transcripts); and 4 more; short protein forms K353Q, K445Q, K448Q, K454Q, K486Q, K489Q, K490Q, K493Q.
Identifiers: ClinVar variation 4861021 (VCV004861021.1).